The following is an entry in ClinVar:

ClinVar aggregate classification (germline): Pathogenic (1 of 4 stars; one submission).

Conditions:
Niemann-Pick disease, type C1. Also called: NEUROVISCERAL STORAGE DISEASE WITH VERTICAL SUPRANUCLEAR OPHTHALMOPLEGIA; NIEMANN-PICK DISEASE WITH CHOLESTEROL ESTERIFICATION BLOCK; NIEMANN-PICK DISEASE, VARIANT TYPE C1; NIEMANN-PICK DISEASE WITHOUT SPHINGOMYELINASE DEFICIENCY; NIEMANN-PICK DISEASE, CHRONIC NEURONOPATHIC FORM. Identifiers: Orphanet 646, MedGen C3179455, MONDO:0009757, OMIM 257220.

Submission:

Labcorp Genetics (formerly Invitae), Labcorp
Classification: Pathogenic for Niemann-Pick disease, type C1. Last evaluated: 2022-08-23. Review status: criteria provided, single submitter. Criteria: Invitae Variant Classification Sherloc (09022015). Collection method: clinical testing. Allele origin: germline.
Comment: For these reasons, this variant has been classified as Pathogenic. This variant disrupts a region of the NPC1 protein in which other variant(s) (p.Leu1248Valfs*3) have been determined to be pathogenic (PMID: 10521290, 19744920). This suggests that this is a clinically significant region of the protein, and that variants that disrupt it are likely to be disease-causing. This variant has not been reported in the literature in individuals affected with NPC1-related conditions. This variant is not present in population databases (gnomAD no frequency). This sequence change creates a premature translational stop signal (p.Phe1215Leufs*27) in the NPC1 gene. While this is not anticipated to result in nonsense mediated decay, it is expected to disrupt the last 64 amino acid(s) of the NPC1 protein.

Literature cited by the submitters: PubMed 10521290; PubMed 19744920.

NM_000271.5(NPC1):c.3645del (p.Phe1215fs)

Gene: NPC1 (NPC intracellular cholesterol transporter 1; minus strand). Cytogenetic location: 18q11.2.
Variant type: Deletion.
Coding change: c.3645del on transcript NM_000271.5 (MANE Select); coding-DNA position 3645, one base deleted (T; older notation c.3645delT).
Protein change: p.Phe1215fs; shifts the reading frame from phenylalanine 1215.
Molecular consequence: frameshift variant.
Genome position (GRCh38, 1-based): chr18:23,533,464, A deleted on the plus strand (T on the coding strand, the reverse complement: NPC1 is on the minus strand); the first of 4 consecutive A bases (chr18:23,533,464-23,533,467); deleting any one gives the same sequence. VCF-style (leftmost placement, unchanged base first): chr18-23533463-CA-C. GRCh37 (hg19) VCF-style: chr18-21113427-CA-C.
Other names: short protein forms F1215fs.
Identifiers: ClinVar variation 2026555 (VCV002026555.4), dbSNP rs2511176956, ClinGen allele CA2580095501.